The following is an entry in ClinVar:

ClinVar aggregate classification (germline): Uncertain significance (1 of 4 stars; one submission).

gnomAD v4.1: 2 of 152,264 alleles (0.0013%); highest among the groups gnomAD compares: Admixed American, 0.0065%; no homozygotes.

Submission:

Greenwood Genetic Center Diagnostic Laboratories, Greenwood Genetic Center
Classification: Uncertain significance. Last evaluated: 2025-04-28. Review status: criteria provided, single submitter. Criteria: ACMG Guidelines, 2015. Collection method: clinical testing. Allele origin: germline. Affected: yes.
Comment: PM2, BP4

NM_005559.4(LAMA1):c.6623+816T>G

Gene: LAMA1 (laminin subunit alpha 1; minus strand). Cytogenetic location: 18p11.31.
Variant type: single nucleotide variant.
Coding change: c.6623+816T>G on transcript NM_005559.4 (MANE Select); 816 bases into the intron after coding-DNA position 6623, T replaced by G.
Molecular consequence: intron variant.
Genome position (GRCh38, 1-based): chr18:6,974,087, A>C on the plus strand (T>G on the coding strand, the complement: LAMA1 is on the minus strand). VCF-style: chr18-6974087-A-C. GRCh37 (hg19) VCF-style: chr18-6974086-A-C.
Identifiers: ClinVar variation 4538194 (VCV004538194.1).
Genomic context (GRCh38, chr18:6,974,087, plus strand): 5'-CCCACCTCGGCCTCCCAAAGCACTGGGATTACAGGAGTGAGCCACCATGCCTGGTCTCCA[A>C]AGGTAACCTAAACTTTTAGACATTTTAGACATTCTAAAGGTAACCTAAGCTTTTCAGTTT-3'